The following is an entry in ClinVar:

ClinVar aggregate classification (germline): Uncertain significance. Review status: criteria provided, multiple submitters, no conflicts (2 of 4 stars). 3 submissions from 3 submitters: Uncertain significance (3). Last evaluated 2024-03-28.

Conditions:
Hereditary cancer-predisposing syndrome. Also called: Neoplastic Syndromes, Hereditary; Tumor predisposition; Hereditary Cancer Syndrome; Hereditary neoplastic syndrome. Identifiers: Orphanet 140162, MedGen C0027672, MeSH D009386, MONDO:0015356.
Familial cancer of breast. Also called: BREAST CANCER, FAMILIAL; Hereditary breast cancer; hereditary breast carcinoma. Identifiers: Orphanet 227535, MedGen C0346153, MONDO:0016419, OMIM 114480. Disease mechanism: loss of function.

Allele frequency attached by ClinVar (database versions not stated): gnomAD exomes below 0.00001.
gnomAD v4.1: 1 of 1,614,154 alleles (0.000062%); highest among the groups gnomAD compares: Non-Finnish European, 0.000085%; no homozygotes.

Submissions (3):

Ambry Genetics
Classification: Uncertain significance for Hereditary cancer-predisposing syndrome. Last evaluated: 2024-03-28. Review status: criteria provided, single submitter. Criteria: Ambry Variant Classification Scheme 2023. Collection method: clinical testing. Allele origin: germline.
Comment: The p.S535T variant (also known as c.1604G>C), located in coding exon 4 of the PALB2 gene, results from a G to C substitution at nucleotide position 1604. The serine at codon 535 is replaced by threonine, an amino acid with similar properties. This amino acid position is conserved. In addition, this alteration is predicted to be tolerated by in silico analysis. Based on the available evidence, the clinical significance of this alteration remains unclear.

Color Diagnostics, LLC DBA Color Health
Classification: Uncertain significance for Hereditary cancer-predisposing syndrome. Last evaluated: 2024-03-06. Review status: criteria provided, single submitter. Criteria: ACMG Guidelines, 2015. Collection method: clinical testing. Allele origin: germline.
Comment: This missense variant replaces serine with threonine at codon 535 of the PALB2 protein. Computational prediction tool suggests that this variant may not impact protein structure and function (internally defined REVEL score threshold <=0.5, PMID: 27666373). Splice site prediction tools suggest that this variant may not impact RNA splicing. To our knowledge, functional studies have not been performed for this variant. This variant has not been reported in individuals affected with hereditary cancer in the literature. This variant has not been identified in the general population by the Genome Aggregation Database (gnomAD). The available evidence is insufficient to determine the role of this variant in disease conclusively. Therefore, this variant is classified as a Variant of Uncertain Significance.

Labcorp Genetics (formerly Invitae), Labcorp
Classification: Uncertain significance for Familial cancer of breast. Last evaluated: 2024-02-25. Review status: criteria provided, single submitter. Criteria: Invitae Variant Classification Sherloc (09022015). Collection method: clinical testing. Allele origin: germline.
Comment: This sequence change replaces serine, which is neutral and polar, with threonine, which is neutral and polar, at codon 535 of the PALB2 protein (p.Ser535Thr). This variant is not present in population databases (gnomAD no frequency). This variant has not been reported in the literature in individuals affected with PALB2-related conditions. ClinVar contains an entry for this variant (Variation ID: 918290). Advanced modeling of protein sequence and biophysical properties (such as structural, functional, and spatial information, amino acid conservation, physicochemical variation, residue mobility, and thermodynamic stability) performed at Invitae indicates that this missense variant is not expected to disrupt PALB2 protein function with a negative predictive value of 80%. In summary, the available evidence is currently insufficient to determine the role of this variant in disease. Therefore, it has been classified as a Variant of Uncertain Significance.

NM_024675.4(PALB2):c.1604G>C (p.Ser535Thr)

Gene: PALB2 (partner and localizer of BRCA2; minus strand). Cytogenetic location: 16p12.2.
Variant type: single nucleotide variant.
Coding change: c.1604G>C on transcript NM_024675.4 (MANE Select); coding-DNA position 1604, G replaced by C.
Protein change: p.Ser535Thr; replaces serine 535 with threonine.
Molecular consequence: missense variant.
Genome position (GRCh38, 1-based): chr16:23,634,942, C>G on the plus strand (G>C on the coding strand, the complement: PALB2 is on the minus strand). VCF-style: chr16-23634942-C-G. GRCh37 (hg19) VCF-style: chr16-23646263-C-G.
Other names: short protein forms S535T.
Identifiers: ClinVar variation 918290 (VCV000918290.14), dbSNP rs1966953852, ClinGen allele CA395130508.